The following is an entry in ClinVar:

ClinVar aggregate classification (germline): Uncertain significance (1 of 4 stars; one submission).

gnomAD v4.1: 11 of 1,612,780 alleles (0.00068%); highest among the groups gnomAD compares: East Asian, 0.025%; no homozygotes.

Submission:

Labcorp Genetics (formerly Invitae), Labcorp
Classification: Uncertain significance. Last evaluated: 2025-11-03. Review status: criteria provided, single submitter. Criteria: Invitae Variant Classification Sherloc (09022015). Collection method: clinical testing. Allele origin: germline.
Comment: This sequence change replaces cysteine, which is neutral and slightly polar, with arginine, which is basic and polar, at codon 643 of the ACAN protein (p.Cys643Arg). This variant is present in population databases (rs764586930, gnomAD 0.02%). This variant has not been reported in the literature in individuals affected with ACAN-related conditions. Invitae Evidence Modeling of protein sequence and biophysical properties (such as structural, functional, and spatial information, amino acid conservation, physicochemical variation, residue mobility, and thermodynamic stability) indicates that this missense variant is not expected to disrupt ACAN protein function with a negative predictive value of 80%. In summary, the available evidence is currently insufficient to determine the role of this variant in disease. Therefore, it has been classified as a Variant of Uncertain Significance.

NM_001369268.1(ACAN):c.1927T>C (p.Cys643Arg)

Gene: ACAN (aggrecan; plus strand). Cytogenetic location: 15q26.1.
Variant type: single nucleotide variant.
Coding change: c.1927T>C on transcript NM_001369268.1 (MANE Select); coding-DNA position 1927, T replaced by C.
Protein change: p.Cys643Arg; replaces cysteine 643 with arginine.
Molecular consequence: missense variant.
Genome position (GRCh38, 1-based): chr15:88,849,632, T>C. VCF-style: chr15-88849632-T-C. GRCh37 (hg19) VCF-style: chr15-89392863-T-C.
Other names: c.1927T>C, p.Cys643Arg (NM_001135.4, NM_001411096.1, NM_001411097.1 and 1 more transcripts); short protein forms C643R.
Identifiers: ClinVar variation 4691949 (VCV004691949.1).